The following is an entry in ClinVar:

ClinVar aggregate classification (germline): Uncertain significance (1 of 4 stars; one submission).

Submission:

Labcorp Genetics (formerly Invitae), Labcorp
Classification: Uncertain significance. Last evaluated: 2025-11-26. Review status: criteria provided, single submitter. Criteria: Invitae Variant Classification Sherloc (09022015). Collection method: clinical testing. Allele origin: germline.
Comment: This sequence change replaces aspartic acid, which is acidic and polar, with histidine, which is basic and polar, at codon 143 of the DLX6 protein (p.Asp143His). This variant is not present in population databases (gnomAD no frequency). This variant has not been reported in the literature in individuals affected with DLX6-related conditions. An algorithm developed to predict the effect of missense changes on protein structure and function (PolyPhen-2) suggests that this variant is likely to be disruptive. In summary, the available evidence is currently insufficient to determine the role of this variant in disease. Therefore, it has been classified as a Variant of Uncertain Significance.

NM_005222.4(DLX6):c.427G>C (p.Asp143His)

Genes: DLX6 (distal-less homeobox 6; plus strand), DLX6-AS1 (DLX6 antisense RNA 1; minus strand). Cytogenetic location: 7q21.3.
Variant type: single nucleotide variant.
Coding change: c.427G>C on transcript NM_005222.4 (MANE Select); coding-DNA position 427, G replaced by C.
Protein change: p.Asp143His; replaces aspartic acid 143 with histidine.
Molecular consequence: missense variant.
Genome position (GRCh38, 1-based): chr7:97,006,404, G>C. VCF-style: chr7-97006404-G-C. GRCh37 (hg19) VCF-style: chr7-96635716-G-C.
Other names: short protein forms D143H.
Identifiers: ClinVar variation 4799382 (VCV004799382.1).